The following is an entry in ClinVar:

NM_000051.4(ATM):c.8038C>A (p.Leu2680Met)

Genes: ATM (ATM serine/threonine kinase; plus strand), C11orf65 (chromosome 11 open reading frame 65; minus strand). Cytogenetic location: 11q22.3.
Variant type: single nucleotide variant.
Coding change: c.8038C>A on transcript NM_000051.4 (MANE Select); coding-DNA position 8038, C replaced by A.
Protein change: p.Leu2680Met; replaces leucine 2680 with methionine.
Molecular consequence: missense variant. On other transcripts: intron variant (2).
Genome position (GRCh38, 1-based): chr11:108,334,996, C>A. VCF-style: chr11-108334996-C-A. GRCh37 (hg19) VCF-style: chr11-108205723-C-A.
Other names: c.8038C>A, p.Leu2680Met (NM_001351834.2); c.641-25925G>T (NM_001330368.2); c.*38+224G>T (NM_001351110.2); short protein forms L2680M.
Identifiers: ClinVar variation 860687 (VCV000860687.24), dbSNP rs2086671863, ClinGen allele CA382561894.

ClinVar aggregate classification (germline): Uncertain significance. Review status: criteria provided, multiple submitters, no conflicts (2 of 4 stars). 3 submissions from 3 submitters: Uncertain significance (2). 1 of the submissions does not count toward it. Last evaluated 2024-11-26.

Conditions:
Hereditary cancer-predisposing syndrome. Also called: Tumor predisposition; Neoplastic Syndromes, Hereditary; Hereditary Cancer Syndrome; Hereditary neoplastic syndrome. Identifiers: Orphanet 140162, MedGen C0027672, MeSH D009386, MONDO:0015356.
Ataxia-telangiectasia syndrome (AT). Also called: ATAXIA-TELANGIECTASIA, COMPLEMENTATION GROUP A; ATAXIA-TELANGIECTASIA, FRESNO VARIANT; Ataxia-telangiectasia; Ataxia-telangiectasia, complementation group D; AT, COMPLEMENTATION GROUP C; Ataxia-telangiectasia, complementation group E. Identifiers: Orphanet 100, MedGen C0004135, MONDO:0008840, OMIM 208900.

Submissions (3):

Labcorp Genetics (formerly Invitae), Labcorp
Classification: Uncertain significance for Ataxia-telangiectasia syndrome. Last evaluated: 2024-11-26. Review status: criteria provided, single submitter. Criteria: Invitae Variant Classification Sherloc (09022015). Collection method: clinical testing. Allele origin: germline.
Comment: This sequence change replaces leucine, which is neutral and non-polar, with methionine, which is neutral and non-polar, at codon 2680 of the ATM protein (p.Leu2680Met). This variant is not present in population databases (gnomAD no frequency). This variant has not been reported in the literature in individuals affected with ATM-related conditions. ClinVar contains an entry for this variant (Variation ID: 860687). Invitae Evidence Modeling of protein sequence and biophysical properties (such as structural, functional, and spatial information, amino acid conservation, physicochemical variation, residue mobility, and thermodynamic stability) indicates that this missense variant is not expected to disrupt ATM protein function with a negative predictive value of 95%. In summary, the available evidence is currently insufficient to determine the role of this variant in disease. Therefore, it has been classified as a Variant of Uncertain Significance.

Color Diagnostics, LLC DBA Color Health
Classification: Uncertain significance for Hereditary cancer-predisposing syndrome. Last evaluated: 2023-12-05. Review status: criteria provided, single submitter. Criteria: ACMG Guidelines, 2015. Collection method: clinical testing. Allele origin: germline.
Comment: This missense variant replaces leucine with methionine at codon 2680 of the ATM protein. Computational prediction is inconclusive regarding the impact of this variant on protein structure and function (internally defined REVEL score threshold 0.5 < inconclusive < 0.7, PMID: 27666373). To our knowledge, functional studies have not been reported for this variant. This variant has not been reported in individuals affected with ATM-related disorders in the literature. This variant has not been identified in the general population by the Genome Aggregation Database (gnomAD). The available evidence is insufficient to determine the role of this variant in disease conclusively. Therefore, this variant is classified as a Variant of Uncertain Significance.

Natera, Inc.
Classification: Uncertain significance for Ataxia-telangiectasia. Last evaluated: 2021-10-14. Review status: no assertion criteria provided. Collection method: clinical testing. Allele origin: germline. Not counted in ClinVar's aggregate classification.